The following is an entry in ClinVar:

ClinVar aggregate classification (germline): Conflicting classifications of pathogenicity. Review status: criteria provided, conflicting classifications (1 of 4 stars). 4 submissions from 4 submitters: Uncertain significance (2); Likely benign (2). Last evaluated 2024-10-09.

Conditions:
Developmental and epileptic encephalopathy, 11 (DEE11). Also called: Early infantile epileptic encephalopathy 11. Identifiers: Orphanet 1934, MedGen C3150987, MONDO:0013388, OMIM 613721.
Episodic ataxia, type 9. Identifiers: MedGen C5394520, MONDO:0030064, OMIM 618924.
Seizures, benign familial infantile, 3 (BFIS3). Also called: CONVULSIONS, BENIGN FAMILIAL INFANTILE, 3; Familial neonatal seizures. Identifiers: Orphanet 140927, Orphanet 306, MedGen C1843140, MONDO:0011904, OMIM 607745.

Allele frequency attached by ClinVar (database versions not stated): gnomAD 0.00003.

Submissions (4):

Labcorp Genetics (formerly Invitae), Labcorp
Classification: Likely benign for Seizures, benign familial infantile, 3; Developmental and epileptic encephalopathy, 11. Last evaluated: 2024-10-09. Review status: criteria provided, single submitter. Criteria: Invitae Variant Classification Sherloc (09022015). Collection method: clinical testing. Allele origin: germline.

Blueprint Genetics
Classification: Likely benign. Last evaluated: 2024-08-15. Review status: criteria provided, single submitter. Criteria: ACMG Guidelines, 2015. Collection method: clinical testing. Allele origin: germline.

Illumina Laboratory Services, Illumina
Classification: Uncertain significance for Seizures, benign familial infantile, 3. Last evaluated: 2018-01-13. Review status: criteria provided, single submitter. Criteria: ICSL Variant Classification Criteria 13 December 2019. Collection method: clinical testing. Allele origin: germline.

Center for Genomics, Ann and Robert H. Lurie Children's Hospital of Chicago
Classification: Uncertain significance for Seizures, benign familial infantile, 3; Developmental and epileptic encephalopathy, 11; Episodic ataxia, type 9. Review status: criteria provided, single submitter. Criteria: ACMG Guidelines, 2015. Collection method: clinical testing. Allele origin: germline.
Comment: This variant has not been reported in the literature but is present in the Genome Aggregation Database (Highest reported MAF 0.002% (2/67860). This variant is present in ClinVar (Variation ID:331735). Evolutionary conservation and computational predictive tools for this variant are limited or unavailable. Of note, this variant is a silent variant and does not change the amino acid, reducing the probability that this variant is disease causing. In summary, data on this variant is insufficient for disease classification. Therefore, the clinical significance of this variant is uncertain.

NM_001040142.2(SCN2A):c.4260G>T (p.Thr1420=)

Gene: SCN2A (sodium voltage-gated channel alpha subunit 2; plus strand). Cytogenetic location: 2q24.3.
Variant type: single nucleotide variant.
Coding change: c.4260G>T on transcript NM_001040142.2 (MANE Select); coding-DNA position 4260, G replaced by T.
Protein change: p.Thr1420=; no amino-acid change (threonine 1420 retained).
Molecular consequence: synonymous variant.
Genome position (GRCh38, 1-based): chr2:165,377,602, G>T. VCF-style: chr2-165377602-G-T. GRCh37 (hg19) VCF-style: chr2-166234112-G-T.
Other names: c.4260G>T, p.Thr1420= (NM_001040143.2, NM_001371246.1, NM_001371247.1 and 1 more transcripts).
Identifiers: ClinVar variation 331735 (VCV000331735.15), dbSNP rs138241682, ClinGen allele CA1940250.